The following is an entry in ClinVar:

NM_001844.5(COL2A1):c.2638G>T (p.Val880Leu)

Gene: COL2A1 (collagen type II alpha 1 chain; minus strand). Cytogenetic location: 12q13.11.
Variant type: single nucleotide variant.
Coding change: c.2638G>T on transcript NM_001844.5 (MANE Select); coding-DNA position 2638, G replaced by T.
Protein change: p.Val880Leu; replaces valine 880 with leucine.
Molecular consequence: missense variant.
Genome position (GRCh38, 1-based): chr12:47,980,050, C>A on the plus strand (G>T on the coding strand, the complement: COL2A1 is on the minus strand). VCF-style: chr12-47980050-C-A. GRCh37 (hg19) VCF-style: chr12-48373833-C-A.
Other names: c.2431G>T, p.Val811Leu (NM_033150.3); short protein forms V811L, V880L.
Identifiers: ClinVar variation 3720373 (VCV003720373.2).
Genomic context (GRCh38, chr12:47,980,050, plus strand): 5'-TGTCAGAGGCCTCACTCACCGGGGGGCCTTGGGCACCTCGGGCTCCTTTAGGACCAGTCA[C>A]TCCAGTAGGACCCTGGAAAGGAAAGAGGGAGACAGTGAGGCCCAGTGGCCCAAGGAAGAC-3'
Protein context (NP_001835.3, residues 870-890): GAPGPQGPTG[Val880Leu]TGPKGARGAQ

ClinVar aggregate classification (germline): Uncertain significance (1 of 4 stars; one submission).

Submission:

Labcorp Genetics (formerly Invitae), Labcorp
Classification: Uncertain significance. Last evaluated: 2024-12-23. Review status: criteria provided, single submitter. Criteria: Invitae Variant Classification Sherloc (09022015). Collection method: clinical testing. Allele origin: germline.
Comment: This sequence change replaces valine, which is neutral and non-polar, with leucine, which is neutral and non-polar, at codon 880 of the COL2A1 protein (p.Val880Leu). This variant is not present in population databases (gnomAD no frequency). This variant has not been reported in the literature in individuals affected with COL2A1-related conditions. Invitae Evidence Modeling of protein sequence and biophysical properties (such as structural, functional, and spatial information, amino acid conservation, physicochemical variation, residue mobility, and thermodynamic stability) indicates that this missense variant is not expected to disrupt COL2A1 protein function with a negative predictive value of 95%. In summary, the available evidence is currently insufficient to determine the role of this variant in disease. Therefore, it has been classified as a Variant of Uncertain Significance.